The following is an entry in ClinVar:

NM_016824.5(ADD3):c.514A>T (p.Ile172Phe)

Gene: ADD3 (adducin 3; plus strand). Cytogenetic location: 10q25.2.
Variant type: single nucleotide variant.
Coding change: c.514A>T on transcript NM_016824.5 (MANE Select); coding-DNA position 514, A replaced by T.
Protein change: p.Ile172Phe; replaces isoleucine 172 with phenylalanine.
Molecular consequence: missense variant.
Genome position (GRCh38, 1-based): chr10:110,117,369, A>T. VCF-style: chr10-110117369-A-T. GRCh37 (hg19) VCF-style: chr10-111877127-A-T.
Other names: c.514A>T, p.Ile172Phe (NM_001121.4, NM_001320591.2, NM_001320592.2 and 2 more transcripts); c.280A>T, p.Ile94Phe (NM_001320594.2); short protein forms I94F, I172F.
Identifiers: ClinVar variation 2074683 (VCV002074683.4), dbSNP rs753878301, ClinGen allele CA5686377.
Genomic context (GRCh38, chr10:110,117,369, plus strand): 5'-TTCATAGTAATTCCCTGTTGTTTTTTTTTCCAGGTAAGAATAAGTAAGGAGCAAGACCAC[A>T]TTATAATAATTCCCAGAGGCCTATCTTTTTCTGAAGCTACAGCCTCCAATTTGGTATAAT-3'
Protein context (NP_058432.1, residues 162-182): SVRISKEQDH[Ile172Phe]IIIPRGLSFS

ClinVar aggregate classification (germline): Uncertain significance (1 of 4 stars; one submission).

Allele frequency attached by ClinVar (database versions not stated): ExAC 0.00002; gnomAD 0.00001; gnomAD exomes 0.00001.
gnomAD v4.1: 14 of 1,605,374 alleles (0.00087%); highest among the groups gnomAD compares: South Asian, 0.013%; no homozygotes.

Submission:

Labcorp Genetics (formerly Invitae), Labcorp
Classification: Uncertain significance. Last evaluated: 2024-03-04. Review status: criteria provided, single submitter. Criteria: Invitae Variant Classification Sherloc (09022015). Collection method: clinical testing. Allele origin: germline.
Comment: This sequence change replaces isoleucine, which is neutral and non-polar, with phenylalanine, which is neutral and non-polar, at codon 172 of the ADD3 protein (p.Ile172Phe). This variant is present in population databases (rs753878301, gnomAD 0.02%). This variant has not been reported in the literature in individuals affected with ADD3-related conditions. ClinVar contains an entry for this variant (Variation ID: 2074683). An algorithm developed to predict the effect of missense changes on protein structure and function (PolyPhen-2) suggests that this variant is likely to be disruptive. In summary, the available evidence is currently insufficient to determine the role of this variant in disease. Therefore, it has been classified as a Variant of Uncertain Significance.